The following is an entry in ClinVar:

NM_014391.3(ANKRD1):c.97T>C (p.Tyr33His)

Gene: ANKRD1 (ankyrin repeat domain 1; minus strand). Cytogenetic location: 10q23.31.
Variant type: single nucleotide variant.
Coding change: c.97T>C on transcript NM_014391.3 (MANE Select); coding-DNA position 97, T replaced by C.
Protein change: p.Tyr33His; replaces tyrosine 33 with histidine.
Molecular consequence: missense variant.
Genome position (GRCh38, 1-based): chr10:90,920,279, A>G on the plus strand (T>C on the coding strand, the complement: ANKRD1 is on the minus strand). VCF-style: chr10-90920279-A-G. GRCh37 (hg19) VCF-style: chr10-92680036-A-G.
Other names: short protein forms Y33H.
Identifiers: ClinVar variation 844569 (VCV000844569.10), dbSNP rs1847421976, ClinGen allele CA377553943.
Genomic context (GRCh38, chr10:90,920,279, plus strand): 5'-CAGGGTGGGCTAGAAGTGTCTTCAGATCCTCCTGCTTCTCTAAAGTAACAGCAGCTTCAT[A>G]CTCTCCATCTCTGAAATCCTCAGGAAGGAATTCCCCTGCCTCCCCATTGCCATTCTTCTT-3'
Protein context (NP_055206.2, residues 23-43): FLPEDFRDGE[Tyr33His]EAAVTLEKQE

ClinVar aggregate classification (germline): Uncertain significance. Review status: criteria provided, multiple submitters, no conflicts (2 of 4 stars). 2 submissions from 2 submitters: Uncertain significance (2). Last evaluated 2025-07-18.

Conditions:
Cardiovascular phenotype. Identifiers: MedGen CN230736.
ANKRD1-related dilated cardiomyopathy. Identifiers: MedGen CN119551.

Submissions (2):

Ambry Genetics
Classification: Uncertain significance for Cardiovascular phenotype. Last evaluated: 2025-07-18. Review status: criteria provided, single submitter. Criteria: Ambry Variant Classification Scheme 2023. Collection method: clinical testing. Allele origin: germline.
Comment: The p.Y33H variant (also known as c.97T>C), located in coding exon 2 of the ANKRD1 gene, results from a T to C substitution at nucleotide position 97. The tyrosine at codon 33 is replaced by histidine, an amino acid with similar properties. This amino acid position is highly conserved in available vertebrate species. In addition, the in silico prediction for this alteration is inconclusive. The evidence for this gene-disease relationship is limited; therefore, the clinical significance of this alteration is unclear.

Labcorp Genetics (formerly Invitae), Labcorp
Classification: Uncertain significance for ANKRD1-related dilated cardiomyopathy. Last evaluated: 2019-02-01. Review status: criteria provided, single submitter. Criteria: Invitae Variant Classification Sherloc (09022015). Collection method: clinical testing. Allele origin: germline.
Comment: This variant is not present in population databases (ExAC no frequency). In summary, the available evidence is currently insufficient to determine the role of this variant in disease. Therefore, it has been classified as a Variant of Uncertain Significance. Algorithms developed to predict the effect of missense changes on protein structure and function are either unavailable or do not agree on the potential impact of this missense change (SIFT: "Deleterious"; PolyPhen-2: "Probably Damaging"; Align-GVGD: "Class C0"). This variant has not been reported in the literature in individuals with ANKRD1-related conditions. This sequence change replaces tyrosine with histidine at codon 33 of the ANKRD1 protein (p.Tyr33His). The tyrosine residue is moderately conserved and there is a moderate physicochemical difference between tyrosine and histidine.